The following is an entry in ClinVar:

NM_007078.3(LDB3):c.896+5G>A

Gene: LDB3 (LIM domain binding 3; plus strand). Cytogenetic location: 10q23.2.
Variant type: single nucleotide variant.
Coding change: c.896+5G>A on transcript NM_007078.3 (MANE Select); 5 bases into the intron after coding-DNA position 896, G replaced by A.
Molecular consequence: intron variant.
Genome position (GRCh38, 1-based): chr10:86,692,576, G>A. VCF-style: chr10-86692576-G-A. GRCh37 (hg19) VCF-style: chr10-88452333-G-A.
Other names: c.755+5G>A (NM_001080116.1, NM_001368068.1, NM_001368066.1 and 2 more transcripts); c.896+5G>A (NM_001368064.1, NM_001368063.1, NM_001368065.1 and 1 more transcripts); c.1100+5G>A (NM_001171610.2, NM_001171611.2).
Identifiers: ClinVar variation 959812 (VCV000959812.8), dbSNP rs368078924, ClinGen allele CA211185669.
Genomic context (GRCh38, chr10:86,692,576, plus strand): 5'-AGCTCCTTTCTACCAACAGTGCAAGACCCTGATGAAGAAGCTCTGCGAAGGTCAAGGTAA[G>A]TGCCTGGACTCAGGCTCTGTGGCCTTGCCCTCTAGCCCCGTCCCTCCCCGGGCAGCCCCC-3'

ClinVar aggregate classification (germline): Uncertain significance (1 of 4 stars; one submission).

Conditions:
Myofibrillar myopathy 4. Also called: Zaspopathy (type). Identifiers: Orphanet 98912, MedGen C4721886, MONDO:0012277, OMIM 609452.

Allele frequency attached by ClinVar (database versions not stated): gnomAD exomes below 0.00001; gnomAD 0.00001.
gnomAD v4.1: 2 of 1,613,938 alleles (0.00012%); highest among the groups gnomAD compares: Non-Finnish European, 0.00017%; no homozygotes.

Submission:

Labcorp Genetics (formerly Invitae), Labcorp
Classification: Uncertain significance for Myofibrillar myopathy 4. Last evaluated: 2025-11-27. Review status: criteria provided, single submitter. Criteria: Invitae Variant Classification Sherloc (09022015). Collection method: clinical testing. Allele origin: germline.
Comment: This sequence change falls in intron 7 of the LDB3 gene. It does not directly change the encoded amino acid sequence of the LDB3 protein. It affects a nucleotide within the consensus splice site. This variant is not present in population databases (gnomAD no frequency). This variant has not been reported in the literature in individuals affected with LDB3-related conditions. ClinVar contains an entry for this variant (Variation ID: 959812). Variants that disrupt the consensus splice site are a relatively common cause of aberrant splicing (PMID: 17576681, 9536098). Algorithms developed to predict the effect of sequence changes on RNA splicing suggest that this variant is not likely to affect RNA splicing. In summary, the available evidence is currently insufficient to determine the role of this variant in disease. Therefore, it has been classified as a Variant of Uncertain Significance.

Literature cited by the submitters: PubMed 17576681; PubMed 9536098.